The following is an entry in ClinVar:

NM_000202.8(IDS):c.262C>T (p.Arg88Cys)

Gene: IDS (iduronate 2-sulfatase; minus strand). Cytogenetic location: Xq28.
Variant type: single nucleotide variant.
Coding change: c.262C>T on transcript NM_000202.8 (MANE Select); coding-DNA position 262, C replaced by T.
Protein change: p.Arg88Cys; replaces arginine 88 with cysteine.
Molecular consequence: missense variant. On other transcripts: non-coding transcript variant (1), intron variant (1).
Genome position (GRCh38, 1-based): chrX:149,503,468, G>A on the plus strand (C>T on the coding strand, the complement: IDS is on the minus strand). VCF-style: chrX-149503468-G-A. GRCh37 (hg19) VCF-style: chrX-148584998-G-A.
Other names: c.262C>T, p.Arg88Cys (NM_006123.5); c.15-23C>T (NM_001166550.4); c.262C>T (NM_000202.7, NM_000202.4); short protein forms R88C.
Identifiers: ClinVar variation 92618 (VCV000092618.27), dbSNP rs398123249, ClinGen allele CA220494.

ClinVar aggregate classification (germline): Pathogenic. Review status: criteria provided, multiple submitters, no conflicts (2 of 4 stars). 10 submissions from 10 submitters: Pathogenic (10). Last evaluated 2025-12-26.

Conditions:
Mucopolysaccharidosis, MPS-II (MPS2). Also called: Mucopolysaccharidosis type 2; Mucopolysaccharidosis with skin involvement; IDS deficiency; Sulfoiduronate sulfatase deficiency; SIDS deficiency; Attenuated MPS (subtype; formerly known as mild MPS II). Identifiers: Orphanet 580, Orphanet 79388, MedGen C0026705, MONDO:0010674, OMIM 309900.

Submissions (10):

Labcorp Genetics (formerly Invitae), Labcorp
Classification: Pathogenic for Mucopolysaccharidosis, MPS-II. Last evaluated: 2025-12-26. Review status: criteria provided, single submitter. Criteria: Invitae Variant Classification Sherloc (09022015). Collection method: clinical testing. Allele origin: germline.
Comment: This sequence change replaces arginine, which is basic and polar, with cysteine, which is neutral and slightly polar, at codon 88 of the IDS protein (p.Arg88Cys). This variant is not present in population databases (gnomAD no frequency). This missense change has been observed in individuals with mucopolysaccharidosis type II (PMID: 7814022, 8940265, 9950361, 15614569, 17063374, 22990955, 24125893, 26762690). ClinVar contains an entry for this variant (Variation ID: 92618). Invitae Evidence Modeling of protein sequence and biophysical properties (such as structural, functional, and spatial information, amino acid conservation, physicochemical variation, residue mobility, and thermodynamic stability) indicates that this missense variant is expected to disrupt IDS protein function with a positive predictive value of 80%. Experimental studies have shown that this missense change affects IDS function (PMID: 15614569, 22990955). This variant disrupts the p.Arg88 amino acid residue in IDS. Other variant(s) that disrupt this residue have been determined to be pathogenic (PMID: 9660053, 9921913, 10215411, 10838181, 24515576). This suggests that this residue is clinically significant, and that variants that disrupt this residue are likely to be disease-causing. For these reasons, this variant has been classified as Pathogenic.

Laboratory of Diagnosis and Therapy of Lysosomal Disorders, University of Padova
Classification: Pathogenic for Mucopolysaccharidosis, MPS-II. Last evaluated: 2024-06-07. Review status: criteria provided, single submitter. Criteria: ACMG Guidelines, 2015. Collection method: literature only. Allele origin: germline. Affected: yes. Observed: 46 variant alleles.
Comment: In vitro or in vivo functional studies supportive of a damaging effect (PS3_Strong), Prevalence of the variant significantly increased in affected individuals compared with controls (PS4_Strong), Located in a mutational hot spot and/or critical functional domain (PM1_Moderate), Absent from controls (or at low frequency) in gnomAD database (PM2_Moderate), Cosegregation with disease in multiple affected family members (PP1_Moderate), Missense variant in a gene with a low rate of benign missense variation (PP2_Supporting), Multiple lines of computational evidence support a deleterious effect (PP3_Supporting), Patient’s phenotype or family history highly specific for the disease (PP4_Strong)

Classification method: ACMG Guidelines [PMID:25741868] with modifications

GeneDx
Classification: Pathogenic. Last evaluated: 2023-06-08. Review status: criteria provided, single submitter. Criteria: GeneDx Variant Classification Process June 2021. Collection method: clinical testing. Allele origin: germline. Affected: yes.
Comment: Published functional studies demonstrate reduced IDS enzyme activity (Chang et al., 2005; Charoenwattanasatien et al., 2012); Not observed at significant frequency in large population cohorts (gnomAD); This variant is associated with the following publications: (PMID: 7814022, 22990955, 15614569, 35144014, 32036093, 27695081, 33676511, 30639582, 34813777, 26762690, 31877959)

Foundation for Research in Genetics and Endocrinology, FRIGE's Institute of Human Genetics
Classification: Pathogenic for Mucopolysaccharidosis, MPS-II. Last evaluated: 2022-09-01. Review status: criteria provided, single submitter. Criteria: ACMG Guidelines, 2015. Collection method: clinical testing. Allele origin: germline. Inheritance: X-linked recessive inheritance. Affected: yes. Observed: 1 hemizygote.
Comment: The hemizygous status for variant c.262C>T(p.Arg88Cys) in exon 3 of IDS gene. The variant has not been repoted in the 1000 genome gnomAD databases. The in silico prediction is damaging by DANN, LRT, SIFT and MutationTaster.

Revvity Omics, Revvity
Classification: Pathogenic for Mucopolysaccharidosis, MPS-II. Last evaluated: 2022-06-30. Review status: criteria provided, single submitter. Criteria: ACMG Guidelines, 2015. Collection method: clinical testing. Allele origin: germline.

Women's Health and Genetics/Laboratory Corporation of America, LabCorp
Classification: Pathogenic for Mucopolysaccharidosis, MPS-II. Last evaluated: 2022-02-23. Review status: criteria provided, single submitter. Criteria: LabCorp Variant Classification Summary - May 2015. Collection method: clinical testing. Allele origin: germline.
Comment: Variant summary: IDS c.262C>T (p.Arg88Cys) results in a non-conservative amino acid change located in the Sulfatase, N-terminal domain (IPR000917) of the encoded protein sequence. Five of five in-silico tools predict a damaging effect of the variant on protein function. The variant was absent in 114316 control chromosomes (gnomAD). c.262C>T has been reported in the literature in multiple individuals affected with Mucopolysaccharidosis Type II (Hunter Syndrome) (e.g. Parkinson_2004, Chang_2005, Froissart_2007, Charoenwattanasatien_2012, Dvorakova_2017). These data indicate that the variant is very likely to be associated with disease. Experimental evidence demonstrated the variant confers very little residual IDS activity (Chang_2005, Charoenwattanasatien_2012). Two ClinVar submitters (evaluation after 2014) cite the variant as pathogenic. Based on the evidence outlined above, the variant was classified as pathogenic.

Genome-Nilou Lab
Classification: Pathogenic for Mucopolysaccharidosis, MPS-II. Last evaluated: 2021-09-05. Review status: criteria provided, single submitter. Criteria: ACMG Guidelines, 2015. Collection method: clinical testing. Allele origin: germline. Affected: no.

Eurofins Ntd Llc (ga)
Classification: Pathogenic. Last evaluated: 2013-01-09. Review status: criteria provided, single submitter. Criteria: EGL Classification Definitions. Collection method: clinical testing. Allele origin: germline. Observed: 2 variant alleles, 1 heterozygote, 1 hemizygote.

Department of Medical Genetics, Sanjay Gandhi Post Graduate Institute of Medical Sciences
Classification: Pathogenic for Mucopolysaccharidosis, MPS-II. Review status: criteria provided, single submitter. Criteria: ACMG Guidelines, 2015. Collection method: clinical testing. Allele origin: germline. Inheritance: X-linked recessive inheritance. Affected: yes. Observed: 1 variant allele, 1 hemizygote.

Kasturba Medical College, Manipal, Kasturba Medical College, Manipal, Manipal Academy of Higher Education, Manipal, India
Classification: Pathogenic for Mucopolysaccharidosis, MPS-II. Review status: criteria provided, single submitter. Criteria: ACMG Guidelines, 2015. Collection method: clinical testing. Allele origin: inherited. Inheritance: Autosomal recessive inheritance. Affected: yes.

Literature cited by the submitters: PubMed 7814022 (cited by Labcorp Genetics (formerly Invitae), Labcorp); PubMed 8940265 (cited by Labcorp Genetics (formerly Invitae), Labcorp and Laboratory of Diagnosis and Therapy of Lysosomal Disorders, University of Padova); PubMed 9950361 (cited by Labcorp Genetics (formerly Invitae), Labcorp and Laboratory of Diagnosis and Therapy of Lysosomal Disorders, University of Padova); PubMed 15614569 (cited by 3 submitters); PubMed 17063374 (cited by Labcorp Genetics (formerly Invitae), Labcorp and Laboratory of Diagnosis and Therapy of Lysosomal Disorders, University of Padova); PubMed 22990955 (cited by 3 submitters); PubMed 24125893 (cited by Labcorp Genetics (formerly Invitae), Labcorp and Laboratory of Diagnosis and Therapy of Lysosomal Disorders, University of Padova); PubMed 26762690 (cited by Labcorp Genetics (formerly Invitae), Labcorp and Laboratory of Diagnosis and Therapy of Lysosomal Disorders, University of Padova); PubMed 9660053 (cited by Labcorp Genetics (formerly Invitae), Labcorp); PubMed 9921913 (cited by Labcorp Genetics (formerly Invitae), Labcorp and Laboratory of Diagnosis and Therapy of Lysosomal Disorders, University of Padova); PubMed 10215411 (cited by Labcorp Genetics (formerly Invitae), Labcorp); PubMed 10838181 (cited by Labcorp Genetics (formerly Invitae), Labcorp); PubMed 24515576 (cited by Labcorp Genetics (formerly Invitae), Labcorp); PubMed 35144014 (cited by Laboratory of Diagnosis and Therapy of Lysosomal Disorders, University of Padova); PubMed 27883178 (cited by Laboratory of Diagnosis and Therapy of Lysosomal Disorders, University of Padova and Women's Health and Genetics/Laboratory Corporation of America, LabCorp); PubMed 34813777 (cited by Laboratory of Diagnosis and Therapy of Lysosomal Disorders, University of Padova); PubMed 33960103 (cited by Laboratory of Diagnosis and Therapy of Lysosomal Disorders, University of Padova); PubMed 31877959 (cited by Laboratory of Diagnosis and Therapy of Lysosomal Disorders, University of Padova); PubMed 11683780 (cited by Laboratory of Diagnosis and Therapy of Lysosomal Disorders, University of Padova); PubMed 14728992 (cited by Laboratory of Diagnosis and Therapy of Lysosomal Disorders, University of Padova and Women's Health and Genetics/Laboratory Corporation of America, LabCorp); PubMed 22976768 (cited by Laboratory of Diagnosis and Therapy of Lysosomal Disorders, University of Padova); PubMed 33676511 (cited by Laboratory of Diagnosis and Therapy of Lysosomal Disorders, University of Padova); PubMed 32036093 (cited by Laboratory of Diagnosis and Therapy of Lysosomal Disorders, University of Padova); PubMed 30639582 (cited by Laboratory of Diagnosis and Therapy of Lysosomal Disorders, University of Padova); PubMed 36713083 (cited by Laboratory of Diagnosis and Therapy of Lysosomal Disorders, University of Padova); PubMed 36945845 (cited by Laboratory of Diagnosis and Therapy of Lysosomal Disorders, University of Padova); PubMed 17391447 (cited by Women's Health and Genetics/Laboratory Corporation of America, LabCorp).